The following is an entry in ClinVar:

ClinVar aggregate classification (germline): Pathogenic (1 of 4 stars; one submission).

Conditions:
Bloom syndrome (BLM). Also called: Bloom-Torre-Machacek syndrome. Identifiers: Orphanet 125, MedGen C0005859, MONDO:0008876, OMIM 210900.

Submission:

Labcorp Genetics (formerly Invitae), Labcorp
Classification: Pathogenic for Bloom syndrome. Last evaluated: 2022-10-05. Review status: criteria provided, single submitter. Criteria: Invitae Variant Classification Sherloc (09022015). Collection method: clinical testing. Allele origin: germline.
Comment: For these reasons, this variant has been classified as Pathogenic. This variant has not been reported in the literature in individuals affected with BLM-related conditions. This variant is not present in population databases (gnomAD no frequency). This sequence change creates a premature translational stop signal (p.Asn1032Lysfs*16) in the BLM gene. It is expected to result in an absent or disrupted protein product. Loss-of-function variants in BLM are known to be pathogenic (PMID: 17407155).

Literature cited by the submitters: PubMed 17407155.

NM_000057.4(BLM):c.3095dup (p.Asn1032fs)

Gene: BLM (BLM RecQ like helicase; plus strand). Cytogenetic location: 15q26.1.
Variant type: Duplication.
Coding change: c.3095dup on transcript NM_000057.4 (MANE Select); coding-DNA position 3095, one base duplicated (A; older notation c.3095dupA).
Protein change: p.Asn1032fs; shifts the reading frame from asparagine 1032.
Molecular consequence: frameshift variant.
Genome position (GRCh38, 1-based): chr15:90,794,242, A duplicated; the last of 4 consecutive A bases (chr15:90,794,239-90,794,242); duplicating any one gives the same sequence. VCF-style (leftmost placement, unchanged base first): chr15-90794238-G-GA. GRCh37 (hg19) VCF-style: chr15-91337468-G-GA.
Other names: c.3095dup, p.Asn1032fs (NM_001287246.2, NM_001287247.2); c.1970dup, p.Asn657fs (NM_001287248.2); short protein forms N657fs, N1032fs.
Identifiers: ClinVar variation 2091575 (VCV002091575.4), dbSNP rs2505525020, ClinGen allele CA2580090297.